The following is an entry in ClinVar:

NM_003743.5(NCOA1):c.1111C>T (p.Leu371Phe)

Gene: NCOA1 (nuclear receptor coactivator 1; plus strand). Cytogenetic location: 2p23.3.
Variant type: single nucleotide variant.
Coding change: c.1111C>T on transcript NM_003743.5 (MANE Select); coding-DNA position 1111, C replaced by T.
Protein change: p.Leu371Phe; replaces leucine 371 with phenylalanine.
Molecular consequence: missense variant.
Genome position (GRCh38, 1-based): chr2:24,706,581, C>T. VCF-style: chr2-24706581-C-T. GRCh37 (hg19) VCF-style: chr2-24929450-C-T.
Other names: c.1111C>T, p.Leu371Phe (NM_001362950.1, NM_001362952.1, NM_001362954.1 and 3 more transcripts); short protein forms L371F.
Identifiers: ClinVar variation 4983465 (VCV004983465.1).

ClinVar aggregate classification (germline): Uncertain significance (1 of 4 stars; one submission).

Conditions:
NCOA1-related disorder. Also called: NCOA1-related condition.

Submission:

PreventionGenetics, part of Exact Sciences
Classification: Uncertain significance for NCOA1-related condition. Last evaluated: 2026-03-21. Review status: criteria provided, single submitter. Criteria: ACMG Guidelines, 2015. Collection method: clinical testing. Allele origin: germline.
Comment: The NCOA1 c.1111C>T variant is predicted to result in the amino acid substitution p.Leu371Phe. To our knowledge, this variant has not been reported in the literature or in a large population database (gnomAD), indicating this variant is rare. At this time, the clinical significance of this variant is uncertain due to the absence of conclusive functional and genetic evidence.